The following is an entry in ClinVar:

ClinVar aggregate classification (germline): Uncertain significance. Review status: criteria provided, multiple submitters, no conflicts (2 of 4 stars). 2 submissions from 2 submitters: Uncertain significance (2). Last evaluated 2024-04-28.

Conditions:
Van Maldergem syndrome 2 (VMLDS2). Identifiers: Orphanet 314679, MedGen C3809875, MONDO:0014242, OMIM 615546.
Hennekam lymphangiectasia-lymphedema syndrome 2 (HKLLS2). Identifiers: Orphanet 2136, MedGen C4014939, MONDO:0014454, OMIM 616006.

Allele frequency attached by ClinVar (database versions not stated): ExAC 0.00001; gnomAD 0.00001; gnomAD exomes 0.00001; TOPMed 0.00002; ESP Exome Variant Server 0.00008.
gnomAD v4.1: 16 of 1,613,980 alleles (0.00099%); highest among the groups gnomAD compares: African/African-American, 0.0013%; no homozygotes.

Submissions (2):

Fulgent Genetics
Classification: Uncertain significance for Van Maldergem syndrome 2; Hennekam lymphangiectasia-lymphedema syndrome 2. Last evaluated: 2024-04-28. Review status: criteria provided, single submitter. Criteria: ACMG Guidelines, 2015. Collection method: clinical testing. Allele origin: germline.

GeneDx
Classification: Uncertain significance. Last evaluated: 2017-09-25. Review status: criteria provided, single submitter. Criteria: GeneDx Variant Classification (06012015). Collection method: clinical testing. Allele origin: germline. Affected: yes.
Comment: The M3120T variant has not been published as a pathogenic variant, nor has it been reported as a benign variant to our knowledge. The M3120T variant is not observed at a significant frequency in large population cohorts (Lek et al., 2016). The M3120T variant is a non-conservative amino acid substitution, which is likely to impact secondary protein structure as these residues differ in polarity, charge, size and/or other properties. This substitution occurs at a position where amino acids with similar properties to Methionine are tolerated across species. In silico analysis predicts this variant is probably damaging to the protein structure/function. Based on the currently available information, it is unclear whether this variant is a pathogenic variant or a rare benign variant.

NM_001291303.3(FAT4):c.9365T>C (p.Met3122Thr)

Gene: FAT4 (FAT atypical cadherin 4; plus strand). Cytogenetic location: 4q28.1.
Variant type: single nucleotide variant.
Coding change: c.9365T>C on transcript NM_001291303.3 (MANE Select); coding-DNA position 9365, T replaced by C.
Protein change: p.Met3122Thr; replaces methionine 3122 with threonine.
Molecular consequence: missense variant.
Genome position (GRCh38, 1-based): chr4:125,450,375, T>C. VCF-style: chr4-125450375-T-C. GRCh37 (hg19) VCF-style: chr4-126371530-T-C.
Other names: c.9365T>C, p.Met3122Thr (NM_001291285.3); c.9359T>C, p.Met3120Thr (NM_024582.6); c.9359T>C (NM_024582.5); short protein forms M3120T, M3122T.
Identifiers: ClinVar variation 452286 (VCV000452286.3), dbSNP rs371686578, ClinGen allele CA3073516.